The following is an entry in ClinVar:

ClinVar aggregate classification (germline): Uncertain significance. Review status: criteria provided, multiple submitters, no conflicts (2 of 4 stars). 3 submissions from 3 submitters: Uncertain significance (3). Last evaluated 2024-01-08.

Conditions:
Wilson disease (WND). Also called: Wilson's disease. Identifiers: Orphanet 905, MedGen C0019202, MONDO:0010200, OMIM 277900. Disease mechanism: loss of function.

gnomAD v4.1: 2 of 1,614,212 alleles (0.00012%); highest among the groups gnomAD compares: Non-Finnish European, 0.00017%; no homozygotes.

Submissions (3):

Fulgent Genetics
Classification: Uncertain significance for Wilson disease. Last evaluated: 2024-01-08. Review status: criteria provided, single submitter. Criteria: ACMG Guidelines, 2015. Collection method: clinical testing. Allele origin: germline.

All of Us Research Program, National Institutes of Health
Classification: Uncertain significance for Wilson disease. Last evaluated: 2023-12-18. Review status: criteria provided, single submitter. Criteria: ACMG Guidelines, 2015. Collection method: clinical testing. Allele origin: germline. Inheritance: Autosomal recessive inheritance. Observed: 3 variant alleles, 3 heterozygotes.
Comment: This missense variant replaces serine with asparagine at codon 1310 of the ATP7B protein. Computational prediction suggests that this variant may have deleterious impact on protein structure and function (internally defined REVEL score threshold >= 0.7, PMID: 27666373). To our knowledge, functional studies have not been reported for this variant. This variant has not been reported in individuals affected with ATP7B-related disorders in the literature. This variant has not been identified in the general population by the Genome Aggregation Database (gnomAD). The available evidence is insufficient to determine the role of this variant in disease conclusively. Therefore, this variant is classified as a Variant of Uncertain Significance.

This study involves interpretation of variants in research participants for the purpose of population health screening. Participant phenotype was not available at the time of variant classification. Additional details can be found in publication PMID: 35346344, PMCID: PMC8962531

Labcorp Genetics (formerly Invitae), Labcorp
Classification: Uncertain significance for Wilson disease. Last evaluated: 2022-08-06. Review status: criteria provided, single submitter. Criteria: Invitae Variant Classification Sherloc (09022015). Collection method: clinical testing. Allele origin: germline.
Comment: This sequence change replaces serine, which is neutral and polar, with asparagine, which is neutral and polar, at codon 1310 of the ATP7B protein (p.Ser1310Asn). This variant is not present in population databases (gnomAD no frequency). This variant has not been reported in the literature in individuals affected with ATP7B-related conditions. Algorithms developed to predict the effect of missense changes on protein structure and function are either unavailable or do not agree on the potential impact of this missense change (SIFT: "Deleterious"; PolyPhen-2: "Possibly Damaging"; Align-GVGD: "Class C0"). In summary, the available evidence is currently insufficient to determine the role of this variant in disease. Therefore, it has been classified as a Variant of Uncertain Significance.

NM_000053.4(ATP7B):c.3929G>A (p.Ser1310Asn)

Gene: ATP7B (ATPase copper transporting beta; minus strand). Cytogenetic location: 13q14.3.
Variant type: single nucleotide variant.
Coding change: c.3929G>A on transcript NM_000053.4 (MANE Select); coding-DNA position 3929, G replaced by A.
Protein change: p.Ser1310Asn; replaces serine 1310 with asparagine.
Molecular consequence: missense variant.
Genome position (GRCh38, 1-based): chr13:51,937,368, C>T on the plus strand (G>A on the coding strand, the complement: ATP7B is on the minus strand). VCF-style: chr13-51937368-C-T. GRCh37 (hg19) VCF-style: chr13-52511504-C-T.
Other names: c.3785G>A, p.Ser1262Asn (NM_001406520.1, NM_001406521.1, NM_001406522.1); c.3641G>A, p.Ser1214Asn (NM_001406534.1); c.3599G>A, p.Ser1200Asn (NM_001406535.1, NM_001406536.1); c.3590G>A, p.Ser1197Asn (NM_001406537.1); c.3551G>A, p.Ser1184Asn (NM_001406538.1); c.3500G>A, p.Ser1167Asn (NM_001406539.1); c.3482G>A, p.Ser1161Asn (NM_001406540.1); c.3443G>A, p.Ser1148Asn (NM_001406541.1, NM_001406542.1); and 21 more; short protein forms S1029N, S1116N, S1167N, S1214N, S1242N, S1292N, S1310N, S1083N.
Identifiers: ClinVar variation 2145041 (VCV002145041.3), dbSNP rs768722570, ClinGen allele CA388021185.